The following is an entry in ClinVar:

ClinVar aggregate classification (germline): Likely pathogenic (1 of 4 stars; one submission).

Submission:

Mayo Clinic Laboratories, Mayo Clinic
Classification: Likely pathogenic. Last evaluated: 2025-03-03. Review status: criteria provided, single submitter. Criteria: ACMG Guidelines, 2015. Collection method: clinical testing. Allele origin: germline. Observed: 1 variant allele.
Comment: PM2_supporting, PVS1

Literature cited by the submitters: PubMed 30486584.

NM_001355436.2(SPTB):c.2906G>A (p.Trp969Ter)

Gene: SPTB (spectrin beta, erythrocytic; minus strand). Cytogenetic location: 14q23.3.
Variant type: single nucleotide variant.
Coding change: c.2906G>A on transcript NM_001355436.2 (MANE Select); coding-DNA position 2906, G replaced by A.
Protein change: p.Trp969Ter; replaces tryptophan 969 with a stop codon.
Molecular consequence: nonsense.
Genome position (GRCh38, 1-based): chr14:64,787,059, C>T on the plus strand (G>A on the coding strand, the complement: SPTB is on the minus strand). VCF-style: chr14-64787059-C-T. GRCh37 (hg19) VCF-style: chr14-65253777-C-T.
Other names: p.Trp969*; c.2906G>A, p.Trp969Ter (NM_001024858.4, NM_001355437.2); short protein forms W969*.
Identifiers: ClinVar variation 4541855 (VCV004541855.1).